The following is an entry in ClinVar:

NM_000543.5(SMPD1):c.1637_1639dup (p.Gly546_Leu547insArg)

Gene: SMPD1 (sphingomyelin phosphodiesterase 1; plus strand). Cytogenetic location: 11p15.4.
Variant type: Duplication.
Coding change: c.1637_1639dup on transcript NM_000543.5 (MANE Select); coding-DNA positions 1637 to 1639, 3 bases duplicated (GGC; older notation c.1637_1639dupGGC).
Protein change: p.Gly546_Leu547insArg.
Molecular consequence: inframe insertion. On other transcripts: 3 prime UTR variant (1), non-coding transcript variant (2).
Genome position (GRCh38, 1-based): chr11:6,394,348-6,394,350, GGC duplicated. VCF-style (leftmost placement, unchanged base first): chr11-6394347-G-GGGC. GRCh37 (hg19) VCF-style: chr11-6415577-G-GGGC.
Other names: c.1634_1636dup, p.Gly545_Leu546insArg (NM_001007593.3); c.*130_*132dup (NM_001318087.2); c.716_718dup, p.Gly239_Leu240insArg (NM_001318088.2); c.1505_1507dup, p.Gly502_Leu503insArg (NM_001365135.2).
Identifiers: ClinVar variation 1371236 (VCV001371236.8), dbSNP rs776759986, ClinGen allele CA5852953.
Genomic context (GRCh38, chr11:6,394,347, plus strand): 5'-GCAAACATACCGGGAGCCATACCGCACTGGCAGCTTCTCTACAGGGCTCGAGAAACCTAT[G>GGGC]GGCTGCCCAACACACTGCCTACCGCCTGGCACAACCTGGTATATCGCATGCGGGGCGACA-3'

ClinVar aggregate classification (germline): Uncertain significance (1 of 4 stars; one submission).

Conditions:
Niemann-Pick disease, type B. Also called: Chronic Visceral ASMD (Niemann-Pick Disease Type B; NPD-B). Identifiers: Orphanet 77293, MedGen C0268243, MONDO:0011871, OMIM 607616. Disease mechanism: loss of function.
Niemann-Pick disease, type A. Also called: Infantile Neurovisceral ASMD (Niemann-Pick Disease Type A; NPD-A); SPHINGOMYELIN LIPIDOSIS; SPHINGOMYELINASE DEFICIENCY. Identifiers: Orphanet 77292, MedGen C0268242, MONDO:0009756, OMIM 257200. Disease mechanism: loss of function.

Allele frequency attached by ClinVar (database versions not stated): gnomAD exomes below 0.00001 and 0.00001; ExAC 0.00001.

Submission:

Labcorp Genetics (formerly Invitae), Labcorp
Classification: Uncertain significance for Niemann-Pick disease, type B; Niemann-Pick disease, type A. Last evaluated: 2023-03-23. Review status: criteria provided, single submitter. Criteria: Invitae Variant Classification Sherloc (09022015). Collection method: clinical testing. Allele origin: germline.
Comment: This variant, c.1637_1639dup, results in the insertion of 1 amino acid(s) of the SMPD1 protein (p.Gly546_Leu547insArg), but otherwise preserves the integrity of the reading frame. This variant is present in population databases (rs776759986, gnomAD 0.006%). This variant has not been reported in the literature in individuals affected with SMPD1-related conditions. ClinVar contains an entry for this variant (Variation ID: 1371236). Experimental studies and prediction algorithms are not available or were not evaluated, and the functional significance of this variant is currently unknown. In summary, the available evidence is currently insufficient to determine the role of this variant in disease. Therefore, it has been classified as a Variant of Uncertain Significance.